The following is an entry in ClinVar:

ClinVar aggregate classification (germline): Benign/Likely benign. Review status: criteria provided, multiple submitters, no conflicts (2 of 4 stars). 3 submissions from 3 submitters: Benign (1); Likely benign (2). Last evaluated 2025-09-08.

Conditions:
Holoprosencephaly 4 (HPE4). Identifiers: Orphanet 2162, MedGen C1840528, MONDO:0007734, OMIM 142946.

Allele frequency attached by ClinVar (database versions not stated): ESP Exome Variant Server 0.00008; TOPMed 0.00015; gnomAD 0.00016; 1000 Genomes Project 0.00040; 1000 Genomes Project 30x 0.00062.
gnomAD v4.1: 268 of 1,614,146 alleles (0.017%); highest among the groups gnomAD compares: South Asian, 0.078%; 1 homozygote.

Submissions (3):

Labcorp Genetics (formerly Invitae), Labcorp
Classification: Benign for Holoprosencephaly 4. Last evaluated: 2025-09-08. Review status: criteria provided, single submitter. Criteria: Invitae Variant Classification Sherloc (09022015). Collection method: clinical testing. Allele origin: germline.

CeGaT Center for Human Genetics Tuebingen
Classification: Likely benign. Last evaluated: 2024-10-01. Review status: criteria provided, single submitter. Criteria: CeGaT Center For Human Genetics Tuebingen Variant Classification Criteria Version 2. Collection method: clinical testing. Allele origin: germline. Affected: yes. Observed: 2 variant alleles.
Comment: TGIF1: BP4, BP7

Illumina Laboratory Services, Illumina
Classification: Likely benign for Holoprosencephaly 4. Last evaluated: 2018-01-13. Review status: criteria provided, single submitter. Criteria: ICSL Variant Classification Criteria 13 December 2019. Collection method: clinical testing. Allele origin: germline.
Comment: This variant was observed in the ICSL laboratory as part of a predisposition screen in an ostensibly healthy population. It had not been previously curated by ICSL or reported in the Human Gene Mutation Database (HGMD: prior to June 1st, 2018), and was therefore a candidate for classification through an automated scoring system. Utilizing variant allele frequency, disease prevalence and penetrance estimates, and inheritance mode, an automated score was calculated to assess if this variant is too frequent to cause the disease. Based on the score and internal cut-off values, a variant classified as likely benign is not then subjected to further curation. The score for this variant resulted in a classification of likely benign for this disease.

NM_003244.4(TGIF1):c.573G>T (p.Ser191=)

Gene: TGIF1 (TGFB induced factor homeobox 1; plus strand). Cytogenetic location: 18p11.31.
Variant type: single nucleotide variant.
Coding change: c.573G>T on transcript NM_003244.4 (MANE Select); coding-DNA position 573, G replaced by T.
Protein change: p.Ser191=; no amino-acid change (serine 191 retained).
Molecular consequence: synonymous variant.
Genome position (GRCh38, 1-based): chr18:3,457,694, G>T. VCF-style: chr18-3457694-G-T. GRCh37 (hg19) VCF-style: chr18-3457692-G-T.
Other names: c.582G>T, p.Ser194= (NM_001278682.2); c.573G>T, p.Ser191= (NM_001278684.2, NM_173208.3); c.513G>T, p.Ser171= (NM_001278686.3, NM_001374396.1, NM_001374397.1 and 5 more transcripts); c.615G>T, p.Ser205= (NM_173207.4).
Identifiers: ClinVar variation 326709 (VCV000326709.35), dbSNP rs142737563, ClinGen allele CA8875982.